The following is an entry in ClinVar:

NM_002202.3(ISL1):c.22C>G (p.Pro8Ala)

Gene: ISL1 (ISL LIM homeobox 1; plus strand). Cytogenetic location: 5q11.1.
Variant type: single nucleotide variant.
Coding change: c.22C>G on transcript NM_002202.3 (MANE Select); coding-DNA position 22, C replaced by G.
Protein change: p.Pro8Ala; replaces proline 8 with alanine.
Molecular consequence: missense variant.
Genome position (GRCh38, 1-based): chr5:51,383,693, C>G. VCF-style: chr5-51383693-C-G. GRCh37 (hg19) VCF-style: chr5-50679527-C-G.
Other names: short protein forms P8A.
Identifiers: ClinVar variation 3861380 (VCV003861380.2).

ClinVar aggregate classification (germline): Uncertain significance. Review status: criteria provided, multiple submitters, no conflicts (2 of 4 stars). 2 submissions from 2 submitters: Uncertain significance (2). Last evaluated 2025-04-24.

Conditions:
ISL1-related disorder. Also called: ISL1-related condition.

gnomAD v4.1: 101 of 1,611,368 alleles (0.0063%); highest among the groups gnomAD compares: Non-Finnish European, 0.008%; 1 homozygote.

Submissions (2):

PreventionGenetics, part of Exact Sciences
Classification: Uncertain significance for ISL1-related condition. Last evaluated: 2025-04-24. Review status: criteria provided, single submitter. Criteria: ACMG Guidelines, 2015. Collection method: clinical testing. Allele origin: germline.
Comment: The ISL1 c.22C>G variant is predicted to result in the amino acid substitution p.Pro8Ala. To our knowledge, this variant has not been reported in the literature. This variant is reported in 0.016% of alleles in individuals of European (Non-Finnish) descent in gnomAD. At this time, the clinical significance of this variant is uncertain due to the absence of conclusive functional and genetic evidence.

Ambry Genetics
Classification: Uncertain significance. Last evaluated: 2025-02-10. Review status: criteria provided, single submitter. Criteria: Ambry Variant Classification Scheme 2023. Collection method: clinical testing. Allele origin: germline.